The following is an entry in ClinVar:

ClinVar aggregate classification (germline): Likely benign. Review status: criteria provided, multiple submitters, no conflicts (2 of 4 stars). 4 submissions from 4 submitters: Likely benign (3). 1 of the submissions does not count toward it. Last evaluated 2025-11-18.

Conditions:
LAMB1-related disorder. Also called: LAMB1-related condition.

Allele frequency attached by ClinVar (database versions not stated): ExAC 0.00044; TOPMed 0.00044; gnomAD 0.00052 and 0.00054; ESP Exome Variant Server 0.00100.
gnomAD v4.1: 1,381 of 1,614,044 alleles (0.086%); highest among the groups gnomAD compares: Non-Finnish European, 0.11%; 2 homozygotes.

Submissions (4):

Labcorp Genetics (formerly Invitae), Labcorp
Classification: Likely benign. Last evaluated: 2025-11-18. Review status: criteria provided, single submitter. Criteria: Invitae Variant Classification Sherloc (09022015). Collection method: clinical testing. Allele origin: germline.

CeGaT Center for Human Genetics Tuebingen
Classification: Likely benign. Last evaluated: 2025-06-01. Review status: criteria provided, single submitter. Criteria: CeGaT Center For Human Genetics Tuebingen Variant Classification Criteria Version 2. Collection method: clinical testing. Allele origin: germline. Affected: yes. Observed: 2 variant alleles.
Comment: LAMB1: BP4

GeneDx
Classification: Likely benign. Last evaluated: 2021-04-20. Review status: criteria provided, single submitter. Criteria: GeneDx Variant Classification Process June 2021. Collection method: clinical testing. Allele origin: germline. Affected: yes.

PreventionGenetics, part of Exact Sciences
Classification: Likely benign for LAMB1-related condition. Last evaluated: 2024-06-03. Review status: no assertion criteria provided. Collection method: clinical testing. Allele origin: germline. Not counted in ClinVar's aggregate classification.
Comment: This variant is classified as likely benign based on ACMG/AMP sequence variant interpretation guidelines (Richards et al. 2015 PMID: 25741868, with internal and published modifications).

NM_002291.3(LAMB1):c.2277C>A (p.Ile759=)

Gene: LAMB1 (laminin subunit beta 1; minus strand). Cytogenetic location: 7q31.1.
Variant type: single nucleotide variant.
Coding change: c.2277C>A on transcript NM_002291.3 (MANE Select); coding-DNA position 2277, C replaced by A.
Protein change: p.Ile759=; no amino-acid change (isoleucine 759 retained).
Molecular consequence: synonymous variant.
Genome position (GRCh38, 1-based): chr7:107,960,482, G>T on the plus strand (C>A on the coding strand, the complement: LAMB1 is on the minus strand). VCF-style: chr7-107960482-G-T. GRCh37 (hg19) VCF-style: chr7-107600927-G-T.
Identifiers: ClinVar variation 774453 (VCV000774453.39), dbSNP rs143597483, ClinGen allele CA4435702.